The following is an entry in ClinVar:

NM_001267550.2(TTN):c.55837del (p.His18613fs)

Genes: TTN-AS1 (TTN antisense RNA 1; plus strand), TTN (titin; minus strand). Cytogenetic location: 2q31.2.
Variant type: Deletion.
Coding change: c.55837del on transcript NM_001267550.2 (MANE Select); coding-DNA position 55837, one base deleted (C; older notation c.55837delC).
Protein change: p.His18613fs; shifts the reading frame from histidine 18613.
Molecular consequence: frameshift variant.
Genome position (GRCh38, 1-based): chr2:178,601,067, G deleted on the plus strand (C on the coding strand, the reverse complement: TTN is on the minus strand); the first of 3 consecutive G bases (chr2:178,601,067-178,601,069); deleting any one gives the same sequence. VCF-style (leftmost placement, unchanged base first): chr2-178601066-TG-T. GRCh37 (hg19) VCF-style: chr2-179465793-TG-T.
Other names: c.50914del, p.His16972fs (NM_001256850.1); c.28642del, p.His9548fs (NM_003319.4); c.48133del, p.His16045fs (NM_133378.4); c.29017del, p.His9673fs (NM_133432.3); c.29218del, p.His9740fs (NM_133437.4); short protein forms H16045fs, H16972fs, H18613fs, H9548fs, H9673fs, H9740fs.
Identifiers: ClinVar variation 3756467 (VCV003756467.2).

ClinVar aggregate classification (germline): Likely pathogenic (1 of 4 stars; one submission).

Conditions:
Dilated cardiomyopathy 1G (CMD1G). Identifiers: Orphanet 154, MedGen C1858763, MONDO:0011400, OMIM 604145.
Autosomal recessive limb-girdle muscular dystrophy type 2J (LGMDR10). Also called: Limb-girdle muscular dystrophy, type 2J; MUSCULAR DYSTROPHY, LIMB-GIRDLE, AUTOSOMAL RECESSIVE 10. Identifiers: Orphanet 140922, MedGen C1837342, MONDO:0012127, OMIM 608807.

Submission:

Labcorp Genetics (formerly Invitae), Labcorp
Classification: Likely pathogenic for Dilated cardiomyopathy 1G; Autosomal recessive limb-girdle muscular dystrophy type 2J. Last evaluated: 2024-05-21. Review status: criteria provided, single submitter. Criteria: Invitae Variant Classification Sherloc (09022015). Collection method: clinical testing. Allele origin: germline.
Comment: This sequence change creates a premature translational stop signal (p.His18613Thrfs*37) in the TTN gene. While this is not anticipated to result in nonsense mediated decay, it is expected to create a truncated TTN protein. This variant is not present in population databases (gnomAD no frequency). This variant has not been reported in the literature in individuals affected with TTN-related conditions. This variant is located in the A band of TTN (PMID: 25589632). Truncating variants in this region are significantly overrepresented in patients affected with dilated cardiomyopathy (PMID: 25589632). Truncating variants in this region have also been reported in individuals affected with autosomal recessive centronuclear myopathy (PMID: 23975875). In summary, the currently available evidence indicates that the variant is pathogenic, but additional data are needed to prove that conclusively. Therefore, this variant has been classified as Likely Pathogenic.

Literature cited by the submitters: PubMed 25589632; PubMed 23975875.